The following is an entry in ClinVar:

ClinVar aggregate classification (germline): Conflicting classifications of pathogenicity. Review status: criteria provided, conflicting classifications (1 of 4 stars). 7 submissions from 7 submitters: Uncertain significance (1); Likely benign (5). 1 of the submissions does not count toward it. Last evaluated 2026-01-12.

Conditions:
ANKRD11-related disorder. Also called: ANKRD11-related condition.
KBG syndrome (KBGS). Also called: ANKRD11-Related KBG Syndrome. Identifiers: Orphanet 2332, MedGen C0220687, MONDO:0007846, OMIM 148050.
Inborn genetic diseases. Identifiers: MedGen C0950123, MeSH D030342.

Allele frequency attached by ClinVar (database versions not stated): ESP Exome Variant Server 0.00016; TOPMed 0.00019; ExAC 0.00022; gnomAD exomes 0.00023.
gnomAD v4.1: 391 of 1,610,456 alleles (0.024%); highest among the groups gnomAD compares: Non-Finnish European, 0.031%; no homozygotes.

Submissions (7):

Labcorp Genetics (formerly Invitae), Labcorp
Classification: Likely benign for KBG syndrome. Last evaluated: 2026-01-12. Review status: criteria provided, single submitter. Criteria: Invitae Variant Classification Sherloc (09022015). Collection method: clinical testing. Allele origin: germline.

Blueprint Genetics
Classification: Likely benign. Last evaluated: 2024-11-27. Review status: criteria provided, single submitter. Criteria: ACMG Guidelines, 2015. Collection method: clinical testing. Allele origin: germline.

CeGaT Center for Human Genetics Tuebingen
Classification: Likely benign. Last evaluated: 2024-08-01. Review status: criteria provided, single submitter. Criteria: CeGaT Center For Human Genetics Tuebingen Variant Classification Criteria Version 2. Collection method: clinical testing. Allele origin: germline. Affected: yes. Observed: 4 variant alleles.
Comment: ANKRD11: BP4

GeneDx
Classification: Likely benign. Last evaluated: 2021-06-09. Review status: criteria provided, single submitter. Criteria: GeneDx Variant Classification Process June 2021. Collection method: clinical testing. Allele origin: germline. Affected: yes.

Athena Diagnostics
Classification: Uncertain significance. Last evaluated: 2017-12-06. Review status: criteria provided, single submitter. Criteria: Athena Diagnostics Criteria. Collection method: clinical testing. Allele origin: germline.

Ambry Genetics
Classification: Likely benign for Inborn genetic diseases. Last evaluated: 2017-01-12. Review status: criteria provided, single submitter. Criteria: Ambry Variant Classification Scheme 2023. Collection method: clinical testing. Allele origin: germline.

PreventionGenetics, part of Exact Sciences
Classification: Likely benign for ANKRD11-related condition. Last evaluated: 2024-02-26. Review status: no assertion criteria provided. Collection method: clinical testing. Allele origin: germline. Not counted in ClinVar's aggregate classification.
Comment: This variant is classified as likely benign based on ACMG/AMP sequence variant interpretation guidelines (Richards et al. 2015 PMID: 25741868, with internal and published modifications).

NM_013275.6(ANKRD11):c.6580C>G (p.Gln2194Glu)

Gene: ANKRD11 (ankyrin repeat domain 11; minus strand). Cytogenetic location: 16q24.3.
Variant type: single nucleotide variant.
Coding change: c.6580C>G on transcript NM_013275.6 (MANE Select); coding-DNA position 6580, C replaced by G.
Protein change: p.Gln2194Glu; replaces glutamine 2194 with glutamic acid.
Molecular consequence: missense variant.
Genome position (GRCh38, 1-based): chr16:89,279,962, G>C on the plus strand (C>G on the coding strand, the complement: ANKRD11 is on the minus strand). VCF-style: chr16-89279962-G-C. GRCh37 (hg19) VCF-style: chr16-89346370-G-C.
Other names: c.6580C>G, p.Gln2194Glu (NM_001256182.2, NM_001256183.2); short protein forms Q2194E.
Identifiers: ClinVar variation 585419 (VCV000585419.43), dbSNP rs201589586, ClinGen allele CA8241395.
Genomic context (GRCh38, chr16:89,279,962, plus strand): 5'-CCAGCTTTGGCTCCCCTGAGGGCTCAGGCTCGAGCTCTGCAGGGAGCCGGGTGGAGGCCT[G>C]GTCAGGAGGCAGTGCCGGCGGCTCCTCAGCCACTACGGTGGAAACATCCCCACCGTTTAT-3'
Protein context (NP_037407.4, residues 2184-2204): AEEPPALPPD[Gln2194Glu]ASTRLPAELE